The following is an entry in ClinVar:

ClinVar aggregate classification (germline): Likely pathogenic. Review status: criteria provided, single submitter (1 of 4 stars). 2 submissions from 2 submitters: Likely pathogenic (1). 1 of the submissions does not count toward it. Last evaluated 2023-04-15.

Submissions (2):

Labcorp Genetics (formerly Invitae), Labcorp
Classification: Likely pathogenic. Last evaluated: 2023-04-15. Review status: criteria provided, single submitter. Criteria: Invitae Variant Classification Sherloc (09022015). Collection method: clinical testing. Allele origin: germline.
Comment: In summary, the currently available evidence indicates that the variant is pathogenic, but additional data are needed to prove that conclusively. Therefore, this variant has been classified as Likely Pathogenic. Advanced modeling of protein sequence and biophysical properties (such as structural, functional, and spatial information, amino acid conservation, physicochemical variation, residue mobility, and thermodynamic stability) performed at Invitae indicates that this missense variant is expected to disrupt KRT1 protein function. ClinVar contains an entry for this variant (Variation ID: 66629). This missense change has been observed in individuals with KRT1-related conditions (PMID: 21271994; Invitae). This variant is not present in population databases (gnomAD no frequency). This sequence change replaces leucine, which is neutral and non-polar, with proline, which is neutral and non-polar, at codon 485 of the KRT1 protein (p.Leu485Pro).

Epithelial Biology;  Institute of Medical Biology, Singapore
No classification provided. Review status: no classification provided. Collection method: not provided. Allele origin: not provided. Not counted in ClinVar's aggregate classification.

Literature cited by the submitters: PubMed 21271994 (cited by Labcorp Genetics (formerly Invitae), Labcorp).

NM_006121.4(KRT1):c.1454T>C (p.Leu485Pro)

Gene: KRT1 (keratin 1; minus strand). Cytogenetic location: 12q13.13.
Variant type: single nucleotide variant.
Coding change: c.1454T>C on transcript NM_006121.4 (MANE Select); coding-DNA position 1454, T replaced by C.
Protein change: p.Leu485Pro; replaces leucine 485 with proline.
Molecular consequence: missense variant.
Genome position (GRCh38, 1-based): chr12:52,676,296, A>G on the plus strand (T>C on the coding strand, the complement: KRT1 is on the minus strand). VCF-style: chr12-52676296-A-G. GRCh37 (hg19) VCF-style: chr12-53070080-A-G.
Other names: short protein forms L485P.
Identifiers: ClinVar variation 66629 (VCV000066629.4), dbSNP rs267607430, ClinGen allele CA217426.
Genomic context (GRCh38, chr12:52,676,296, plus strand): 5'-CCATGAGAAGAGGTTCGACTCCCAGCGTCCCTTCCTCACCTGCTTTCTTCTCCCTCCAGG[A>G]GGGTCCTGTAGGTGGCAATCTCCAGATCCAGGGCCAGCTTTGTGTTCATCAGCTCCTGGT-3'
Protein context (NP_006112.3, residues 475-495): LDLEIATYRT[Leu485Pro]LEGEESRMSG